The following is an entry in ClinVar:

ClinVar aggregate classification (germline): Pathogenic (1 of 4 stars; one submission).

Submission:

Labcorp Genetics (formerly Invitae), Labcorp
Classification: Pathogenic. Last evaluated: 2026-01-21. Review status: criteria provided, single submitter. Criteria: Invitae Variant Classification Sherloc (09022015). Collection method: clinical testing. Allele origin: germline.
Comment: This sequence change creates a premature translational stop signal (p.Gln481Asnfs*41) in the ERCC6L2 gene. It is expected to result in an absent or disrupted protein product. Loss-of-function variants in ERCC6L2 are known to be pathogenic (PMID: 24507776, 27185855, 29146883, 29987015). This variant is not present in population databases (gnomAD no frequency). This variant has not been reported in the literature in individuals affected with ERCC6L2-related conditions. For these reasons, this variant has been classified as Pathogenic.

Literature cited by the submitters: PubMed 24507776; PubMed 27185855; PubMed 29146883; PubMed 29987015.

NM_020207.7(ERCC6L2):c.1408del (p.Gln470fs)

Gene: ERCC6L2 (ERCC excision repair 6 like 2; plus strand). Cytogenetic location: 9q22.32.
Variant type: Deletion.
Coding change: c.1408del on transcript NM_020207.7 (MANE Select); coding-DNA position 1408, one base deleted (C; older notation c.1408delC).
Protein change: p.Gln470fs; shifts the reading frame from glutamine 470.
Molecular consequence: frameshift variant. On other transcripts: non-coding transcript variant (1).
Genome position (GRCh38, 1-based): chr9:95,922,413, C deleted. VCF-style (leftmost placement, unchanged base first): chr9-95922412-AC-A. GRCh37 (hg19) VCF-style: chr9-98684694-AC-A.
Other names: c.1408del, p.Gln470fs (NM_001010895.4, NM_001375291.1, NM_001375292.1 and 2 more transcripts); short protein forms Q470fs.
Identifiers: ClinVar variation 4735365 (VCV004735365.1).